The following is an entry in ClinVar:

ClinVar aggregate classification (germline): Pathogenic (1 of 4 stars; one submission).

Conditions:
Deficiency of alpha-mannosidase (MANSA). Also called: LYSOSOMAL ALPHA-D-MANNOSIDASE DEFICIENCY; Mannosidosis, alpha-, types I and II; Alpha-Mannosidosis. Identifiers: Orphanet 61, MedGen C0024748, MONDO:0009561, OMIM 248500.

Submission:

Labcorp Genetics (formerly Invitae), Labcorp
Classification: Pathogenic for Deficiency of alpha-mannosidase. Last evaluated: 2023-10-23. Review status: criteria provided, single submitter. Criteria: Invitae Variant Classification Sherloc (09022015). Collection method: clinical testing. Allele origin: germline.
Comment: This sequence change creates a premature translational stop signal (p.Val534Cysfs*10) in the MAN2B1 gene. It is expected to result in an absent or disrupted protein product. Loss-of-function variants in MAN2B1 are known to be pathogenic (PMID: 9915946, 22161967). This variant is not present in population databases (gnomAD no frequency). This variant has not been reported in the literature in individuals affected with MAN2B1-related conditions. For these reasons, this variant has been classified as Pathogenic.

Literature cited by the submitters: PubMed 9915946; PubMed 22161967.

NM_000528.4(MAN2B1):c.1583_1599dup (p.Val534fs)

Gene: MAN2B1 (mannosidase alpha class 2B member 1; minus strand). Cytogenetic location: 19p13.13.
Variant type: Duplication.
Coding change: c.1583_1599dup on transcript NM_000528.4 (MANE Select); coding-DNA positions 1583 to 1599, 17 bases duplicated (TGCCGGTCAGCGAAGGC).
Protein change: p.Val534fs; shifts the reading frame from valine 534.
Molecular consequence: frameshift variant.
Genome position (GRCh38, 1-based): chr19:12,656,616-12,656,632, GCCTTCGCTGACCGGCA duplicated on the plus strand (TGCCGGTCAGCGAAGGC on the coding strand, the reverse complement: MAN2B1 is on the minus strand); duplicating any 17 consecutive bases within chr19:12,656,616-12,656,635 gives the same sequence; the c. name uses the placement nearest the transcript's 3' end. VCF-style (leftmost placement, unchanged base first): chr19-12656615-C-CGCCTTCGCTGACCGGCA. GRCh37 (hg19) VCF-style: chr19-12767429-C-CGCCTTCGCTGACCGGCA.
Other names: c.1580_1596dup, p.Val533fs (NM_001173498.2); short protein forms V533fs, V534fs.
Identifiers: ClinVar variation 2771295 (VCV002771295.3), dbSNP rs2512499210, ClinGen allele CA2697556352.
Genomic context (GRCh38, chr19:12,656,615, plus strand): 5'-CGTTGTTTGGGCTCACATCGCTGGGCACTGTCCTGCCATTGGGGTCCTTCACAACGAAAA[C>CGCCTTCGCTGACCGGCA]GCCTTCGCTGACCGGCAGCCGTACCATCCAATTCACCTTCCGCCCCAGGGGATTATAAAC-3'